The following is an entry in ClinVar:

NM_025137.4(SPG11):c.4261G>A (p.Asp1421Asn)

Genes: SPG11 (SPG11 vesicle trafficking associated, spatacsin; minus strand), LOC130056973 (ATAC-STARR-seq lymphoblastoid active region 9341; plus strand). Cytogenetic location: 15q21.1.
Variant type: single nucleotide variant.
Coding change: c.4261G>A on transcript NM_025137.4 (MANE Select); coding-DNA position 4261, G replaced by A.
Protein change: p.Asp1421Asn; replaces aspartic acid 1421 with asparagine.
Molecular consequence: missense variant.
Genome position (GRCh38, 1-based): chr15:44,596,256, C>T on the plus strand (G>A on the coding strand, the complement: SPG11 is on the minus strand). VCF-style: chr15-44596256-C-T. GRCh37 (hg19) VCF-style: chr15-44888454-C-T.
Other names: p.Asp1421Asn; c.4261G>A, p.Asp1421Asn (NM_001160227.2); short protein forms D1421N.
Identifiers: ClinVar variation 466527 (VCV000466527.44), dbSNP rs191148548, ClinGen allele CA7534720.
Genomic context (GRCh38, chr15:44,596,256, plus strand): 5'-AATCGGTCATCTCTTGTTTGCTTCCTTGAAGTTCCTGGGGGCACTTATTGCAGACTTGAT[C>T]GCTGTCCATTTTGGAGGTGGGCACTGAGGGCAAGTTCTCAAAAGCCAGCCTTAAGTGGTC-3'
Protein context (NP_079413.3, residues 1411-1431): PSVPTSKMDS[Asp1421Asn]QVCNKCPQEL

ClinVar aggregate classification (germline): Conflicting classifications of pathogenicity. Review status: criteria provided, conflicting classifications (1 of 4 stars). 8 submissions from 6 submitters: Uncertain significance (7); Likely benign (1). Last evaluated 2025-02-18.

Conditions:
Inborn genetic diseases. Identifiers: MedGen C0950123, MeSH D030342.
Amyotrophic lateral sclerosis type 5 (ALS5). Also called: AMYOTROPHIC LATERAL SCLEROSIS 5, JUVENILE. Identifiers: Orphanet 300605, MedGen C1865864, MONDO:0011196, OMIM 602099.
Hereditary spastic paraplegia 11. Also called: SPASTIC PARAPLEGIA, AUTOSOMAL RECESSIVE, COMPLICATED, WITH THIN CORPUS CALLOSUM; SPASTIC PARAPLEGIA, AUTOSOMAL RECESSIVE, WITH MENTAL IMPAIRMENT AND THIN CORPUS CALLOSUM; Spastic Paraplegia 11; Nakamura Osame syndrome; Autosomal recessive hereditary spastic paraplegia, mental impairment, and thin corpus callosum; Spastic paraplegia, mental retardation and thin corpus callosum. Identifiers: Orphanet 2822, MedGen C1858479, MONDO:0011445, OMIM 604360.
Charcot-Marie-Tooth disease axonal type 2X. Also called: CHARCOT-MARIE-TOOTH DISEASE, AXONAL, AUTOSOMAL RECESSIVE, TYPE 2X; CHARCOT-MARIE-TOOTH NEUROPATHY, TYPE 2X. Identifiers: Orphanet 466775, MedGen C5569024, MONDO:0014726, OMIM 616668.

Allele frequency attached by ClinVar (database versions not stated): gnomAD exomes 0.00001 and 0.00002; ExAC 0.00002; gnomAD 0.00003 and 0.00004; TOPMed 0.00003; 1000 Genomes Project 30x 0.00016; 1000 Genomes Project 0.00020.
gnomAD v4.1: 29 of 1,614,096 alleles (0.0018%); highest among the groups gnomAD compares: African/African-American, 0.0067%; no homozygotes.

Submissions (8):

Mayo Clinic Laboratories, Mayo Clinic
Classification: Uncertain significance. Last evaluated: 2025-02-18. Review status: criteria provided, single submitter. Criteria: ACMG Guidelines, 2015. Collection method: clinical testing. Allele origin: germline. Observed: 2 variant alleles.
Comment: BP4_moderate, PM2_supporting

Ambry Genetics
Classification: Likely benign for Inborn genetic diseases. Last evaluated: 2022-08-17. Review status: criteria provided, single submitter. Criteria: Ambry Variant Classification Scheme 2023. Collection method: clinical testing. Allele origin: germline.

CeGaT Center for Human Genetics Tuebingen
Classification: Uncertain significance. Last evaluated: 2022-06-01. Review status: criteria provided, single submitter. Criteria: CeGaT Center For Human Genetics Tuebingen Variant Classification Criteria Version 2. Collection method: clinical testing. Allele origin: germline. Affected: yes. Observed: 1 variant allele.
Comment: SPG11: PM2:Supporting, BP4

Labcorp Genetics (formerly Invitae), Labcorp
Classification: Uncertain significance for Hereditary spastic paraplegia 11. Last evaluated: 2022-04-11. Review status: criteria provided, single submitter. Criteria: Invitae Variant Classification Sherloc (09022015). Collection method: clinical testing. Allele origin: germline.
Comment: This sequence change replaces aspartic acid, which is acidic and polar, with asparagine, which is neutral and polar, at codon 1421 of the SPG11 protein (p.Asp1421Asn). This variant is present in population databases (rs191148548, gnomAD 0.006%). This variant has not been reported in the literature in individuals affected with SPG11-related conditions. ClinVar contains an entry for this variant (Variation ID: 466527). Algorithms developed to predict the effect of missense changes on protein structure and function output the following: SIFT: "Tolerated"; PolyPhen-2: "Benign"; Align-GVGD: "Class C0". The asparagine amino acid residue is found in multiple mammalian species, which suggests that this missense change does not adversely affect protein function. In summary, the available evidence is currently insufficient to determine the role of this variant in disease. Therefore, it has been classified as a Variant of Uncertain Significance.

Genome-Nilou Lab
Classification: Uncertain significance for Amyotrophic lateral sclerosis type 5. Review status: criteria provided, single submitter. Criteria: ACMG Guidelines, 2015. Collection method: clinical testing. Allele origin: germline.

Genome-Nilou Lab
Classification: Uncertain significance for Charcot-Marie-Tooth disease axonal type 2X. Review status: criteria provided, single submitter. Criteria: ACMG Guidelines, 2015. Collection method: clinical testing. Allele origin: germline.

Genome-Nilou Lab
Classification: Uncertain significance for Hereditary spastic paraplegia 11. Review status: criteria provided, single submitter. Criteria: ACMG Guidelines, 2015. Collection method: clinical testing. Allele origin: germline.

Juno Genomics, Hangzhou Juno Genomics, Inc
Classification: Uncertain significance for Amyotrophic lateral sclerosis type 5; Charcot-Marie-Tooth disease axonal type 2X; Hereditary spastic paraplegia 11. Review status: criteria provided, single submitter. Criteria: ACMG Guidelines, 2015. Collection method: clinical testing. Allele origin: germline. Affected: yes.
Comment: Absent from controls (or at extremely low frequency if recessive) in Genome Aggregation Database, Exome Sequencing Project, 1000 Genomes Project, or Exome Aggregation Consortium.;Multiple lines of computational evidence suggest no impact on gene or gene product (conservation, evolutionary, splicing impact, etc).

Literature cited by the submitters: PubMed 29525178 (cited by Mayo Clinic Laboratories, Mayo Clinic).